The following is an entry in ClinVar:

ClinVar aggregate classification (germline): Uncertain significance (1 of 4 stars; one submission).

Allele frequency attached by ClinVar (database versions not stated): gnomAD exomes below 0.00001; TOPMed 0.00001.
gnomAD v4.1: 2 of 1,614,040 alleles (0.00012%); highest among the groups gnomAD compares: Admixed American, 0.0017%; no homozygotes.

Submission:

Labcorp Genetics (formerly Invitae), Labcorp
Classification: Uncertain significance. Last evaluated: 2022-10-17. Review status: criteria provided, single submitter. Criteria: Invitae Variant Classification Sherloc (09022015). Collection method: clinical testing. Allele origin: germline.
Comment: This variant is present in population databases (no rsID available, gnomAD 0.0009%). This sequence change replaces alanine, which is neutral and non-polar, with threonine, which is neutral and polar, at codon 83 of the GNAT1 protein (p.Ala83Thr). In summary, the available evidence is currently insufficient to determine the role of this variant in disease. Therefore, it has been classified as a Variant of Uncertain Significance. Advanced modeling of protein sequence and biophysical properties (such as structural, functional, and spatial information, amino acid conservation, physicochemical variation, residue mobility, and thermodynamic stability) performed at Invitae indicates that this missense variant is not expected to disrupt GNAT1 protein function. ClinVar contains an entry for this variant (Variation ID: 1509305). This variant has not been reported in the literature in individuals affected with GNAT1-related conditions.

NM_144499.3(GNAT1):c.247G>A (p.Ala83Thr)

Gene: GNAT1 (G protein subunit alpha transducin 1; plus strand). Cytogenetic location: 3p21.31.
Variant type: single nucleotide variant.
Coding change: c.247G>A on transcript NM_144499.3 (MANE Select); coding-DNA position 247, G replaced by A.
Protein change: p.Ala83Thr; replaces alanine 83 with threonine.
Molecular consequence: missense variant.
Genome position (GRCh38, 1-based): chr3:50,193,362, G>A. VCF-style: chr3-50193362-G-A. GRCh37 (hg19) VCF-style: chr3-50230795-G-A.
Other names: c.247G>A, p.Ala83Thr (NM_000172.4); short protein forms A83T.
Identifiers: ClinVar variation 1509305 (VCV001509305.6), dbSNP rs1325267297, ClinGen allele CA352913660.